The following is an entry in ClinVar:

NM_006565.4(CTCF):c.496G>T (p.Val166Leu)

Gene: CTCF (CCCTC-binding factor; plus strand). Cytogenetic location: 16q22.1.
Variant type: single nucleotide variant.
Coding change: c.496G>T on transcript NM_006565.4 (MANE Select); coding-DNA position 496, G replaced by T.
Protein change: p.Val166Leu; replaces valine 166 with leucine.
Molecular consequence: missense variant. On other transcripts: intron variant (1).
Genome position (GRCh38, 1-based): chr16:67,611,328, G>T. VCF-style: chr16-67611328-G-T. GRCh37 (hg19) VCF-style: chr16-67645231-G-T.
Other names: c.496G>T, p.Val166Leu (NM_001363916.2, NM_001438968.1, NM_001438969.1); c.-32-5417G>T (NM_001191022.2); short protein forms V166L.
Identifiers: ClinVar variation 4997619 (VCV004997619.1).

ClinVar aggregate classification (germline): Uncertain significance (1 of 4 stars; one submission).

Conditions:
CTCF-related disorder. Also called: CTCF-related condition. Identifiers: MedGen CN381101.

Submission:

PreventionGenetics, part of Exact Sciences
Classification: Uncertain significance for CTCF-related condition. Last evaluated: 2024-10-13. Review status: criteria provided, single submitter. Criteria: ACMG Guidelines, 2015. Collection method: clinical testing. Allele origin: germline.
Comment: The CTCF c.496G>T variant is predicted to result in the amino acid substitution p.Val166Leu. To our knowledge, this variant has not been reported in the literature or in a large population database (gnomAD), indicating this variant is rare. At this time, the clinical significance of this variant is uncertain due to the absence of conclusive functional and genetic evidence.